The following is an entry in ClinVar:

ClinVar aggregate classification (germline): Pathogenic. Review status: reviewed by expert panel (3 of 4 stars). 2 submissions from 2 submitters: Pathogenic (1). 1 of the submissions does not count toward it. Last evaluated 2016-09-08.

Conditions:
Breast-ovarian cancer, familial, susceptibility to, 1 (BROVCA1). Also called: BRCA1 Hereditary Breast and Ovarian Cancer; OVARIAN CANCER, SUSCEPTIBILITY TO. Identifiers: Orphanet 145, MedGen C2676676, MONDO:0011450, OMIM 604370. Disease mechanism: loss of function.

Submissions (2):

Evidence-based Network for the Interpretation of Germline Mutant Alleles (ENIGMA)
Classification: Pathogenic for Breast-ovarian cancer, familial, susceptibility to, 1. Last evaluated: 2016-09-08. Review status: reviewed by expert panel. Criteria: ENIGMA BRCA1/2 Classification Criteria (2015). Collection method: curation. Allele origin: germline.
Comment: Variant allele predicted to encode a truncated non-functional protein.

Consortium of Investigators of Modifiers of BRCA1/2 (CIMBA), c/o University of Cambridge
Classification: Pathogenic for Breast-ovarian cancer, familial, susceptibility to, 1. Last evaluated: 2015-10-02. Review status: criteria provided, single submitter. Criteria: CIMBA Mutation Classification guidelines May 2016. Collection method: clinical testing. Allele origin: germline. Not counted in ClinVar's aggregate classification.

NM_007294.4(BRCA1):c.1257del (p.Asp420fs)

Gene: BRCA1 (BRCA1 DNA repair associated; minus strand). Cytogenetic location: 17q21.31.
Variant type: Deletion.
Coding change: c.1257del on transcript NM_007294.4 (MANE Select); coding-DNA position 1257, one base deleted (A; older notation c.1257delA).
Protein change: p.Asp420fs; shifts the reading frame from aspartic acid 420.
Molecular consequence: frameshift variant. On other transcripts: intron variant (137).
Genome position (GRCh38, 1-based): chr17:43,094,274, T deleted on the plus strand (A on the coding strand, the reverse complement: BRCA1 is on the minus strand). VCF-style (leftmost placement, unchanged base first): chr17-43094273-CT-C. GRCh37 (hg19) VCF-style: chr17-41246290-CT-C.
Other names: c.1254del, p.Asp419fs (NM_001407591.1, NM_001407627.1, NM_001407628.1 and 22 more transcripts); c.1257del, p.Asp420fs (NM_001407593.1, NM_001407594.1, NM_001407596.1 and 30 more transcripts); c.1248del, p.Asp417fs (NM_001407646.1, NM_001407647.1); c.1134del, p.Asp379fs (NM_001407648.1, NM_001407664.1, NM_001407665.1 and 19 more transcripts); c.1131del, p.Asp378fs (NM_001407649.1, NM_001407670.1, NM_001407671.1 and 11 more transcripts); c.1179del, p.Asp394fs (NM_001407653.1, NM_001407654.1, NM_001407655.1 and 4 more transcripts); c.1176del, p.Asp393fs (NM_001407659.1, NM_001407660.1, NM_001407661.1 and 1 more transcripts); c.1116del, p.Asp373fs (NM_001407692.1, NM_001407694.1, NM_001407695.1 and 29 more transcripts); and 40 more; short protein forms D420fs, D373fs, D378fs, D419fs, D331fs, D349fs, D379fs, D394fs.
Identifiers: ClinVar variation 254393 (VCV000254393.7), dbSNP rs886037988, ClinGen allele CA10586656.
Genomic context (GRCh38, chr17:43,094,273, plus strand): 5'-AAGCCTCATGAGGATCACTGGCCAGTAAGTCTATTTTCTCTGAAGAACCAGAATATTCAT[CT>C]ACCTCATTTAGAACGTCCAATACATCAGCTACTTTGGCATTTGATTCAGACTCCCCATCA-3'